The following is an entry in ClinVar:

ClinVar aggregate classification (germline): Benign. Review status: criteria provided, single submitter (1 of 4 stars). 3 submissions from 3 submitters: Benign (1). 2 of the submissions do not count toward it. Last evaluated 2024-12-01.

Conditions:
ATXN2-related disorder. Also called: ATXN2-related condition.

Allele frequency attached by ClinVar (database versions not stated): 1000 Genomes Project 30x 0.00094; ExAC 0.00094; gnomAD exomes 0.00097 and 0.00252; 1000 Genomes Project 0.00100; gnomAD 0.00128 and 0.00134; TOPMed 0.00128; ESP Exome Variant Server 0.00154.
gnomAD v4.1: 3,846 of 1,596,640 alleles (0.24%); highest among the groups gnomAD compares: Non-Finnish European, 0.31%; 14 homozygotes.

Submissions (6):

CeGaT Center for Human Genetics Tuebingen
Classification: Benign. Last evaluated: 2024-12-01. Review status: criteria provided, single submitter. Criteria: CeGaT Center For Human Genetics Tuebingen Variant Classification Criteria Version 2. Collection method: clinical testing. Allele origin: germline. Affected: yes. Observed: 1 variant allele.
Comment: ATXN2: BS1, BS2

PreventionGenetics, part of Exact Sciences
Classification: Likely benign for ATXN2-related condition. Last evaluated: 2022-02-15. Review status: no assertion criteria provided. Collection method: clinical testing. Allele origin: germline. Not counted in ClinVar's aggregate classification.
Comment: This variant is classified as likely benign based on ACMG/AMP sequence variant interpretation guidelines (Richards et al. 2015 PMID: 25741868, with internal and published modifications).

Department of Pathology and Laboratory Medicine, Sinai Health System
Classification: Likely benign. Review status: no assertion criteria provided. Collection method: clinical testing. Allele origin: unknown. Affected: yes. Study: The Canadian Open Genetics Repository (COGR). Not counted in ClinVar's aggregate classification.
Comment: The ATXN2 p.Asn226Ser variant was not identified in the literature nor was it identified in ClinVar. The variant was identified in dbSNP (ID: rs117851901) and in control databases in 275 of 274092 chromosomes (1 homozygous) at a frequency of 0.001003 increasing the likelihood this could be a low frequency benign variant (Genome Aggregation Database March 6, 2019, v2.1.1). The variant was observed in the following populations: European (non-Finnish) in 239 of 126634 chromosomes (freq: 0.001887), Other in 11 of 6972 chromosomes (freq: 0.001578), African in 17 of 24804 chromosomes (freq: 0.000685), Latino in 7 of 32630 chromosomes (freq: 0.000215) and Ashkenazi Jewish in 1 of 9894 chromosomes (freq: 0.000101), but was not observed in the East Asian, European (Finnish), or South Asian populations. The p.Asn226 residue is conserved in mammals but not in more distantly related organisms however computational analyses (PolyPhen-2, SIFT, AlignGVGD, BLOSUM, MutationTaster) do not suggest a high likelihood of impact to the protein; this information is not predictive enough to rule out pathogenicity. The variant occurs outside of the splicing consensus sequence and 3 of 4 in silico or computational prediction software programs (SpliceSiteFinder, MaxEntScan, NNSPLICE, GeneSplicer) predict a greater than 10% difference in splicing. However, this information is not predictive enough to assume pathogenicity. In summary, based on the above information the clinical significance of this variant cannot be determined with certainty at this time although we would lean towards a more benign role for this variant. This variant is classified as likely benign.

Dr. Peter K. Rogan Lab, Western University
No classification provided (evidence only). Condition: Colorectal cancer. Review status: no classification provided. Collection method: in vitro. Allele origin: not applicable. Functional consequence: retained intron. Not counted in ClinVar's aggregate classification.

Dr. Peter K. Rogan Lab, Western University
No classification provided (evidence only). Condition: Thyroid cancer, nonmedullary, 1. Review status: no classification provided. Collection method: in vitro. Allele origin: not applicable. Functional consequence: retained intron. Not counted in ClinVar's aggregate classification.

Dr. Peter K. Rogan Lab, Western University
No classification provided (evidence only). Condition: Thyroid cancer, nonmedullary, 1. Review status: no classification provided. Collection method: in vitro. Allele origin: not applicable. Functional consequence: retained intron. Not counted in ClinVar's aggregate classification.

NM_001372574.1(ATXN2):c.992A>G (p.Asn331Ser)

Gene: ATXN2 (ataxin 2; minus strand). Cytogenetic location: 12q24.12.
Variant type: single nucleotide variant.
Coding change: c.992A>G on transcript NM_001372574.1 (MANE Select); coding-DNA position 992, A replaced by G.
Protein change: p.Asn331Ser; replaces asparagine 331 with serine.
Molecular consequence: missense variant. On other transcripts: non-coding transcript variant (1).
Genome position (GRCh38, 1-based): chr12:111,518,422, T>C on the plus strand (A>G on the coding strand, the complement: ATXN2 is on the minus strand). VCF-style: chr12-111518422-T-C. GRCh37 (hg19) VCF-style: chr12-111956226-T-C.
Other names: NC_000012.11:g.111956226T>C; c.677A>G, p.Asn226Ser (NM_001310121.1); c.605A>G, p.Asn202Ser (NM_001310123.1); c.992A>G, p.Asn331Ser (NM_002973.4); c.1472A>G (NM_002973.3); short protein forms N202S, N226S, N331S.
Identifiers: ClinVar variation 1048831 (VCV001048831.17), dbSNP rs117851901, ClinGen allele CA6790744.
Genomic context (GRCh38, chr12:111,518,422, plus strand): 5'-TGTCTCCCACTTCCCCAGGATATGACTTCTCTATTTCTTTGTCCAGGAGGAATATATTTA[T>C]TTTCCCTGAAAATGAGAGATCCTCTAAATCATTTTATTCTAAAAGGTACCAAGCCAATGA-3'
Protein context (NP_001359503.1, residues 321-341): REGHSINTRE[Asn331Ser]KYIPPGQRNR